The following is an entry in ClinVar:

NM_001384140.1(PCDH15):c.1686_1687insTAAGCGA (p.Gly563Ter)

Gene: PCDH15 (protocadherin related 15; minus strand). Cytogenetic location: 10q21.1.
Variant type: Insertion.
Coding change: c.1686_1687insTAAGCGA on transcript NM_001384140.1 (MANE Select); coding-DNA positions 1686 to 1687, TAAGCGA inserted.
Protein change: p.Gly563Ter; replaces glycine 563 with a stop codon.
Molecular consequence: nonsense. On other transcripts: frameshift variant (1).
Genome position: GRCh38 VCF-style: chr10-54153197-C-CTCGCTTA. GRCh37 (hg19) VCF-style: chr10-55912957-C-CTCGCTTA.
Other names: c.1701_1702insTAAGCGA, p.Gly568Ter (NM_001142763.2, NM_001142771.2); c.1686_1687insTAAGCGA, p.Gly563Ter (NM_001142764.2, NM_001142765.2, NM_001142766.2 and 6 more transcripts); c.1575_1576insTAAGCGA, p.Gly526Ter (NM_001142767.2); c.1620_1621insTAAGCGA, p.Gly541Ter (NM_001142768.2, NM_001142773.2, NM_001354404.2); c.1721_1722insATAAGCG, p.Gly575Terfs (NM_001142769.4); c.1707_1708insTAAGCGA, p.Gly570Ter (NM_001354411.2); short protein forms G526*, G541*, G563*, G568*, G570*, G575*.
Identifiers: ClinVar variation 3601608 (VCV003601608.1).

ClinVar aggregate classification (germline): Likely pathogenic (1 of 4 stars; one submission).

Conditions:
Autosomal recessive nonsyndromic hearing loss 23. Identifiers: Orphanet 90636, MedGen C1836027, MONDO:0012293, OMIM 609533.

Submission:

Institute of Rare Diseases, West China Hospital, Sichuan University
Classification: Likely pathogenic for Autosomal recessive nonsyndromic hearing loss 23. Last evaluated: 2025-01-09. Review status: criteria provided, single submitter. Criteria: ClinGen HL ACMG Specifications v1. Collection method: research. Allele origin: germline. Affected: yes.
Comment: PVS1;PM2_Supporting